The following is an entry in ClinVar:

ClinVar aggregate classification (germline): Uncertain significance (1 of 4 stars; one submission).

Conditions:
Congenital nongoitrous hypothyroidism 6. Also called: Congenital nongoitrous hypothryoidism 6. Identifiers: Orphanet 97927, MedGen C3280817, MONDO:0013757, OMIM 614450.

Submission:

Dasa
Classification: Uncertain significance for Congenital nongoitrous hypothyroidism 6. Last evaluated: 2025-10-29. Review status: criteria provided, single submitter. Criteria: DASA Assertion Criteria. Collection method: clinical testing. Allele origin: germline.
Comment: NM_199334.5(THRA):c.851G>C (p.Arg284Pro) is a missense variant that results in the substitution of arginine with proline. This variant is absent from population databases. Computational prediction algorithms are consistent with a deleterious effect. The currently available literature and clinical evidence are not sufficient to establish a definitive association between this variant and the reported condition. Therefore, this variant is classified as a variant of uncertain significance.

NM_199334.5(THRA):c.851G>C (p.Arg284Pro)

Gene: THRA (thyroid hormone receptor alpha; plus strand). Cytogenetic location: 17q21.1.
Variant type: single nucleotide variant.
Coding change: c.851G>C on transcript NM_199334.5 (MANE Select); coding-DNA position 851, G replaced by C.
Protein change: p.Arg284Pro; replaces arginine 284 with proline.
Molecular consequence: missense variant.
Genome position (GRCh38, 1-based): chr17:40,088,369, G>C. VCF-style: chr17-40088369-G-C. GRCh37 (hg19) VCF-style: chr17-38244622-G-C.
Other names: c.851G>C, p.Arg284Pro (NM_001190918.2, NM_001190919.2, NM_003250.6); short protein forms R284P.
Identifiers: ClinVar variation 4883396 (VCV004883396.2).